The following is an entry in ClinVar:

ClinVar aggregate classification (germline): Pathogenic (1 of 4 stars; one submission).

Conditions:
Inborn genetic diseases. Identifiers: MedGen C0950123, MeSH D030342.

Submission:

Ambry Genetics
Classification: Pathogenic for Inborn genetic diseases. Last evaluated: 2025-11-10. Review status: criteria provided, single submitter. Criteria: Ambry Variant Classification Scheme 2023. Collection method: clinical testing. Allele origin: germline.
Comment: The c.1022C>A (p.S341*) alteration, located in exon 2 (coding exon 1) of the ZBTB7A gene, consists of a C to A substitution at nucleotide position 1022. This changes the amino acid from a serine (S) to a stop codon at amino acid position 341. This alteration is expected to result in loss of function by premature protein truncation or nonsense-mediated mRNA decay. This variant was not reported in population-based cohorts in the Genome Aggregation Database (gnomAD). Based on the available evidence, this alteration is classified as pathogenic.

NM_015898.4(ZBTB7A):c.1022C>A (p.Ser341Ter)

Gene: ZBTB7A (zinc finger and BTB domain containing 7A; minus strand). Cytogenetic location: 19p13.3.
Variant type: single nucleotide variant.
Coding change: c.1022C>A on transcript NM_015898.4 (MANE Select); coding-DNA position 1022, C replaced by A.
Protein change: p.Ser341Ter; replaces serine 341 with a stop codon.
Molecular consequence: nonsense.
Genome position (GRCh38, 1-based): chr19:4,054,211, G>T on the plus strand (C>A on the coding strand, the complement: ZBTB7A is on the minus strand). VCF-style: chr19-4054211-G-T. GRCh37 (hg19) VCF-style: chr19-4054209-G-T.
Other names: c.1022C>A, p.Ser341Ter (NM_001317990.2); short protein forms S341*.
Identifiers: ClinVar variation 4635002 (VCV004635002.1).
Genomic context (GRCh38, chr19:4,054,211, plus strand): 5'-TCGTGGGCGCCGCTGAAGTACTTCAGGTAGTAGTCCATGACGCCCTTGTCGTCGGCCCGC[G>T]ACTCCTCGTCGCTGTCCCCCGCCGCGGCCCCCGCCCGGCCCACCGATGACATCATCTGCT-3'